The following is an entry in ClinVar:

ClinVar aggregate classification (germline): Uncertain significance (1 of 4 stars; one submission).

Conditions:
Retinitis pigmentosa 19 (RP19). Also called: ABCA4-Related Retinitis Pigmentosa. Identifiers: Orphanet 791, MedGen C1866422, MONDO:0011137, OMIM 601718.

Submission:

3billion
Classification: Uncertain significance for Retinitis pigmentosa 19. Last evaluated: 2024-02-04. Review status: criteria provided, single submitter. Criteria: ACMG Guidelines, 2015. Collection method: clinical testing. Allele origin: germline. Affected: yes.
Comment: The variant is not observed in the gnomAD v2.1.1 dataset. Predicted Consequence/Location: Missense variant In silico tool predictions suggest damaging effect of the variant on gene or gene product [REVEL: 0.92 (>=0.6, sensitivity 0.68 and specificity 0.92); 3Cnet: 0.81 (>=0.6, sensitivity 0.72 and precision 0.9)]. Same nucleotide change resulting in same amino acid change has been previously reported to be associated with ABCA4 related disorder (PMID: 26780318). A different missense change at the same codon (p.Cys2017Arg) has been reported to be associated with ABCA4 related disorder (ClinVar ID: VCV001458238). However the evidence of pathogenicity is insufficient at this time. Therefore, this variant is classified as VUS according to the recommendation of ACMG/AMP guideline.

Literature cited by the submitters: PubMed 26780318.

NM_000350.3(ABCA4):c.6050G>A (p.Cys2017Tyr)

Gene: ABCA4 (ATP binding cassette subfamily A member 4; minus strand). Cytogenetic location: 1p22.1.
Variant type: single nucleotide variant.
Coding change: c.6050G>A on transcript NM_000350.3 (MANE Select); coding-DNA position 6050, G replaced by A.
Protein change: p.Cys2017Tyr; replaces cysteine 2017 with tyrosine.
Molecular consequence: missense variant.
Genome position (GRCh38, 1-based): chr1:94,005,538, C>T on the plus strand (G>A on the coding strand, the complement: ABCA4 is on the minus strand). VCF-style: chr1-94005538-C-T. GRCh37 (hg19) VCF-style: chr1-94471094-C-T.
Other names: c.5828G>A, p.Cys1943Tyr (NM_001425324.1); short protein forms C1943Y, C2017Y.
Identifiers: ClinVar variation 3775769 (VCV003775769.1).
Genomic context (GRCh38, chr1:94,005,538, plus strand): 5'-GCATAAAGGTAAAGATGTTCTCGTCCTGTGAGCAGCTCATCAATTGCATCAAACTGAGGA[C>T]AGTAGCCCATATTTTGATGGACTTCAGAAATATTGGTTAAAATACTGCAAGAAAAAAAGC-3'
Protein context (NP_000341.2, residues 2007-2027): ISEVHQNMGY[Cys2017Tyr]PQFDAIDELL